The following is an entry in ClinVar:

NM_007254.4(PNKP):c.636+1G>T

Gene: PNKP (polynucleotide kinase 3'-phosphatase; minus strand). Cytogenetic location: 19q13.33.
Variant type: single nucleotide variant.
Coding change: c.636+1G>T on transcript NM_007254.4 (MANE Select); the canonical splice donor site of the intron after coding-DNA position 636, G replaced by T.
Molecular consequence: splice donor variant.
Genome position (GRCh38, 1-based): chr19:49,864,178, C>A on the plus strand (G>T on the coding strand, the complement: PNKP is on the minus strand). VCF-style: chr19-49864178-C-A. GRCh37 (hg19) VCF-style: chr19-50367435-C-A.
Identifiers: ClinVar variation 436354 (VCV000436354.17), dbSNP rs1247055716, ClinGen allele CA406886579.

ClinVar aggregate classification (germline): Pathogenic/Likely pathogenic. Review status: criteria provided, multiple submitters, no conflicts (2 of 4 stars). 6 submissions from 6 submitters: Pathogenic (1); Likely pathogenic (4). 1 of the submissions does not count toward it. Last evaluated 2024-06-09.

Conditions:
PNKP-related disorder. Also called: PNKP-related condition; PNKP-related disorders.
Developmental and epileptic encephalopathy, 12 (DEE12). Identifiers: MedGen C3150988, MONDO:0013389, OMIM 613722.
Charcot-Marie-Tooth disease type 2B2 (CMT2B2). Also called: CHARCOT-MARIE-TOOTH DISEASE, AXONAL, TYPE 2B2; CHARCOT-MARIE-TOOTH DISEASE, NEURONAL, TYPE 2B2; CHARCOT-MARIE-TOOTH DISEASE, AXONAL, AUTOSOMAL RECESSIVE, TYPE 2B2; Charcot-Marie-Tooth Neuropathy Type 2B2. Identifiers: Orphanet 101101, MedGen C1854150, MONDO:0011570, OMIM 605589.
Microcephaly, seizures, and developmental delay. Identifiers: Orphanet 1934, MedGen C3150667, MONDO:0013254, OMIM 613402.

Allele frequency attached by ClinVar (database versions not stated): gnomAD exomes 0.00001; TOPMed 0.00003; gnomAD 0.00004.
gnomAD v4.1: 18 of 1,613,924 alleles (0.0011%); highest among the groups gnomAD compares: African/African-American, 0.0027%; no homozygotes.

Submissions (6):

Labcorp Genetics (formerly Invitae), Labcorp
Classification: Likely pathogenic for Developmental and epileptic encephalopathy, 12. Last evaluated: 2024-06-09. Review status: criteria provided, single submitter. Criteria: Invitae Variant Classification Sherloc (09022015). Collection method: clinical testing. Allele origin: germline.
Comment: This sequence change affects a donor splice site in intron 6 of the PNKP gene. It is expected to disrupt RNA splicing. Variants that disrupt the donor or acceptor splice site typically lead to a loss of protein function (PMID: 16199547), and loss-of-function variants in PNKP are known to be pathogenic (PMID: 20118933, 25728773). This variant is present in population databases (no rsID available, gnomAD 0.007%). This variant has not been reported in the literature in individuals affected with PNKP-related conditions. ClinVar contains an entry for this variant (Variation ID: 436354). Algorithms developed to predict the effect of sequence changes on RNA splicing suggest that this variant may disrupt the consensus splice site. In summary, the currently available evidence indicates that the variant is pathogenic, but additional data are needed to prove that conclusively. Therefore, this variant has been classified as Likely Pathogenic.

Mayo Clinic Laboratories, Mayo Clinic
Classification: Likely pathogenic. Last evaluated: 2023-04-11. Review status: criteria provided, single submitter. Criteria: ACMG Guidelines, 2015. Collection method: clinical testing. Allele origin: germline. Observed: 1 variant allele.
Comment: PM2, PVS1

Blueprint Genetics
Classification: Likely pathogenic for PNKP-related disorders. Last evaluated: 2022-07-17. Review status: criteria provided, single submitter. Criteria: ACMG Guidelines, 2015. Collection method: clinical testing. Allele origin: germline. Affected: yes. Observed: 1 variant allele.

Baylor Genetics
Classification: Likely pathogenic for Charcot-Marie-Tooth disease type 2B2. Last evaluated: 2020-09-04. Review status: criteria provided, single submitter. Criteria: ACMG Guidelines, 2015. Collection method: clinical testing. Allele origin: unknown. Affected: yes.
Comment: This variant was determined to be likely pathogenic according to ACMG Guidelines, 2015 [PMID:25741868].

Genetic Services Laboratory, University of Chicago
Classification: Pathogenic for Microcephaly, seizures, and developmental delay. Last evaluated: 2017-04-12. Review status: criteria provided, single submitter. Criteria: ACMG Guidelines, 2015. Collection method: clinical testing. Allele origin: germline. Affected: yes.

PreventionGenetics, part of Exact Sciences
Classification: Likely pathogenic for PNKP-related condition. Last evaluated: 2023-12-06. Review status: no assertion criteria provided. Collection method: clinical testing. Allele origin: germline. Not counted in ClinVar's aggregate classification.
Comment: The PNKP c.636+1G>T variant is predicted to disrupt the GT donor site and interfere with normal splicing. To our knowledge, this variant has not been reported in the literature. This variant is reported in 0.0065% of alleles in individuals of European (Non-Finnish) descent in gnomAD. Variants that disrupt the consensus splice donor site in PNKP are expected to be pathogenic. This variant is interpreted as likely pathogenic.

Literature cited by the submitters: PubMed 16199547 (cited by Labcorp Genetics (formerly Invitae), Labcorp); PubMed 20118933 (cited by Labcorp Genetics (formerly Invitae), Labcorp); PubMed 25728773 (cited by Labcorp Genetics (formerly Invitae), Labcorp).